The following is an entry in ClinVar:

NM_007055.4(POLR3A):c.3858C>A (p.His1286Gln)

Gene: POLR3A (RNA polymerase III subunit A; minus strand). Cytogenetic location: 10q22.3.
Variant type: single nucleotide variant.
Coding change: c.3858C>A on transcript NM_007055.4 (MANE Select); coding-DNA position 3858, C replaced by A.
Protein change: p.His1286Gln; replaces histidine 1286 with glutamine.
Molecular consequence: missense variant.
Genome position (GRCh38, 1-based): chr10:77,981,461, G>T on the plus strand (C>A on the coding strand, the complement: POLR3A is on the minus strand). VCF-style: chr10-77981461-G-T. GRCh37 (hg19) VCF-style: chr10-79741219-G-T.
Other names: NM_007055.4(POLR3A):c.3858C>A; p.His1286Gln; short protein forms H1286Q.
Identifiers: ClinVar variation 1064452 (VCV001064452.5), dbSNP rs373306216, ClinGen allele CA377326464.
Genomic context (GRCh38, chr10:77,981,461, plus strand): 5'-CAGCCCGGGGGCCTCCTGCCCACATACCTTGTAGGTCATGAGGTCGGAGAGCAGCATCAC[G>T]TGCCTCCTGTCGATGCTCATGCCGTGGTTCACCATGGTGTACTGGATTTCATTGATGATC-3'
Protein context (NP_008986.2, residues 1276-1296): VNHGMSIDRR[His1286Gln]VMLLSDLMTY

ClinVar aggregate classification (germline): Conflicting classifications of pathogenicity. Review status: criteria provided, conflicting classifications (1 of 4 stars). 3 submissions from 3 submitters: Likely pathogenic (1); Uncertain significance (2). Last evaluated 2024-01-24.

Conditions:
Leukodystrophy. Identifiers: Orphanet 68356, MedGen C0023520, MONDO:0019046, HP:0002415.
Leukodystrophy, hypomyelinating, 7, with or without oligodontia and/or hypogonadotropic hypogonadism (HLD7). Also called: LEUKOENCEPHALOPATHY, HYPOMYELINATING, WITH ATAXIA AND DELAYED DENTITION; ATAXIA, DELAYED DENTITION, AND HYPOMYELINATION; LEUKODYSTROPHY, HYPOMYELINATING, 7, WITH OLIGODONTIA; LEUKODYSTROPHY, HYPOMYELINATING, 7, WITH OLIGODONTIA AND HYPOGONADOTROPIC HYPOGONADISM; LEUKODYSTROPHY, HYPOMYELINATING, 7, WITHOUT OLIGODONTIA OR HYPOGONADOTROPIC HYPOGONADISM; Ataxia, Delayed Dentition and Hypomyelination (ADDH). Identifiers: Orphanet 137639, Orphanet 447893, Orphanet 447896, Orphanet 77295, Orphanet 88637, MedGen CN034185, MONDO:0011897, OMIM 607694.

gnomAD v4.1: 3 of 1,613,944 alleles (0.00019%); highest among the groups gnomAD compares: East Asian, 0.0045%; no homozygotes.

Submissions (3):

Broad Center for Mendelian Genomics, Broad Institute of MIT and Harvard
Classification: Uncertain significance for Leukodystrophy. Last evaluated: 2024-01-24. Review status: criteria provided, single submitter. Criteria: ACMG Guidelines, 2015. Collection method: curation. Allele origin: germline. Inheritance: Autosomal recessive inheritance.
Comment: The p.His1286Gln variant in POLR3A has been reported in 3 individuals with leukodystrophy (PMID: 30389777, 33726816, Song et al., 2021). This variant has been identified in 0.011% (2/18394) of East Asian chromosomes by the Genome Aggregation Database (gnomAD; dbSNP ID: rs373306216). Although this variant has been seen in the general population in a heterozygous state, its frequency is not high enough to rule out a pathogenic role. This p.His1286Gln variant has also been reported in ClinVar (Variation ID#: 1064452) and has been interpreted as likely pathogenic by the Centre for Inherited Metabolic Diseases (Karolinska University Hospital). Of the 3 affected individuals, 1 was a compound heterozygote that carried a reported pathogenic variant with unknown phase and 2 were compound heterozygote that carried variants of uncertain significance in trans, which increases the likelihood that the p.His1286Gln variant is pathogenic (VariationID: 449556; PMID: 33726816, Song et al., 2021). Computational prediction tools and conservation analyses suggest that this variant may impact the protein, though this information is not predictive enough to determine pathogenicity. In summary, the clinical significance of the p.His1286Gln variant is uncertain. ACMG/AMP Criteria applied: PP3, PM3 (Richards 2015).

Centre for Inherited Metabolic Diseases, Karolinska University Hospital
Classification: Likely pathogenic for Leukodystrophy, hypomyelinating, 7, with or without oligodontia and/or hypogonadotropic hypogonadism. Last evaluated: 2021-04-12. Review status: criteria provided, single submitter. Criteria: ACMG Guidelines, 2015. Collection method: clinical testing. Allele origin: germline. Inheritance: Autosomal recessive inheritance. Affected: yes. Observed: 1 compound heterozygote.

Juno Genomics, Hangzhou Juno Genomics, Inc
Classification: Uncertain significance for Leukodystrophy, hypomyelinating, 7, with or without oligodontia and/or hypogonadotropic hypogonadism. Review status: criteria provided, single submitter. Criteria: ACMG Guidelines, 2015. Collection method: clinical testing. Allele origin: germline.
Comment: Absent from controls (or at extremely low frequency if recessive) in Genome Aggregation Database.;Multiple lines of computational evidence support a deleterious effect on the gene or gene product.;Missense variant in a gene that has a low rate of benign missense variation.;For recessive disorders, detected in trans with a pathogenic variant.